The following is an entry in ClinVar:

NM_007186.6(CEP250):c.628G>C (p.Val210Leu)

Gene: CEP250 (centrosomal protein 250; plus strand). Cytogenetic location: 20q11.22.
Variant type: single nucleotide variant.
Coding change: c.628G>C on transcript NM_007186.6 (MANE Select); coding-DNA position 628, G replaced by C.
Protein change: p.Val210Leu; replaces valine 210 with leucine.
Molecular consequence: missense variant. On other transcripts: 5 prime UTR variant (1).
Genome position (GRCh38, 1-based): chr20:35,467,332, G>C. VCF-style: chr20-35467332-G-C. GRCh37 (hg19) VCF-style: chr20-34055157-G-C.
Other names: c.-1272G>C (NM_001318219.1); short protein forms V210L.
Identifiers: ClinVar variation 2011963 (VCV002011963.4), dbSNP rs772751738, ClinGen allele CA9832677.

ClinVar aggregate classification (germline): Uncertain significance (1 of 4 stars; one submission).

Allele frequency attached by ClinVar (database versions not stated): ExAC 0.00001; gnomAD 0.00001.
gnomAD v4.1: 2 of 1,613,954 alleles (0.00012%); highest among the groups gnomAD compares: African/African-American, 0.0027%; no homozygotes.

Submission:

Labcorp Genetics (formerly Invitae), Labcorp
Classification: Uncertain significance. Last evaluated: 2022-06-28. Review status: criteria provided, single submitter. Criteria: Invitae Variant Classification Sherloc (09022015). Collection method: clinical testing. Allele origin: germline.
Comment: Algorithms developed to predict the effect of missense changes on protein structure and function are either unavailable or do not agree on the potential impact of this missense change (SIFT: "Not Available"; PolyPhen-2: "Benign"; Align-GVGD: "Not Available"). This variant has not been reported in the literature in individuals affected with CEP250-related conditions. This variant is present in population databases (rs772751738, gnomAD 0.008%). This sequence change replaces valine, which is neutral and non-polar, with leucine, which is neutral and non-polar, at codon 210 of the CEP250 protein (p.Val210Leu). In summary, the available evidence is currently insufficient to determine the role of this variant in disease. Therefore, it has been classified as a Variant of Uncertain Significance.